The following is an entry in ClinVar:

ClinVar aggregate classification (germline): Uncertain significance. Review status: criteria provided, multiple submitters, no conflicts (2 of 4 stars). 3 submissions from 3 submitters: Uncertain significance (3). Last evaluated 2026-04-04.

Conditions:
SNRNP200-related disorder. Also called: SNRNP200-related condition.
Inborn genetic diseases. Identifiers: MedGen C0950123, MeSH D030342.

Allele frequency attached by ClinVar (database versions not stated): gnomAD exomes below 0.00001; ExAC 0.00001; TOPMed 0.00002; gnomAD 0.00004; 1000 Genomes Project 30x 0.00016; 1000 Genomes Project 0.00020.
gnomAD v4.1: 14 of 1,614,100 alleles (0.00087%); highest among the groups gnomAD compares: Admixed American, 0.01%; no homozygotes.

Submissions (3):

PreventionGenetics, part of Exact Sciences
Classification: Uncertain significance for SNRNP200-related condition. Last evaluated: 2026-04-04. Review status: criteria provided, single submitter. Criteria: ACMG Guidelines, 2015. Collection method: clinical testing. Allele origin: germline.
Comment: The SNRNP200 c.233G>A variant is predicted to result in the amino acid substitution p.Arg78Gln. To our knowledge, this variant has not been reported in the literature. This variant is reported in 0.0033% of alleles in individuals of South Asian descent in gnomAD. At this time, the clinical significance of this variant is uncertain due to the absence of conclusive functional and genetic evidence.

Ambry Genetics
Classification: Uncertain significance for Inborn genetic diseases. Last evaluated: 2025-07-16. Review status: criteria provided, single submitter. Criteria: Ambry Variant Classification Scheme 2023. Collection method: clinical testing. Allele origin: germline.

Labcorp Genetics (formerly Invitae), Labcorp
Classification: Uncertain significance. Last evaluated: 2022-10-20. Review status: criteria provided, single submitter. Criteria: Invitae Variant Classification Sherloc (09022015). Collection method: clinical testing. Allele origin: germline.
Comment: In summary, the available evidence is currently insufficient to determine the role of this variant in disease. Therefore, it has been classified as a Variant of Uncertain Significance. Algorithms developed to predict the effect of missense changes on protein structure and function (SIFT, PolyPhen-2, Align-GVGD) all suggest that this variant is likely to be tolerated. This variant has not been reported in the literature in individuals affected with SNRNP200-related conditions. This variant is present in population databases (rs187670771, gnomAD 0.003%). This sequence change replaces arginine, which is basic and polar, with glutamine, which is neutral and polar, at codon 78 of the SNRNP200 protein (p.Arg78Gln).

NM_014014.5(SNRNP200):c.233G>A (p.Arg78Gln)

Gene: SNRNP200 (small nuclear ribonucleoprotein U5 subunit 200; minus strand). Cytogenetic location: 2q11.2.
Variant type: single nucleotide variant.
Coding change: c.233G>A on transcript NM_014014.5 (MANE Select); coding-DNA position 233, G replaced by A.
Protein change: p.Arg78Gln; replaces arginine 78 with glutamine.
Molecular consequence: missense variant.
Genome position (GRCh38, 1-based): chr2:96,303,307, C>T on the plus strand (G>A on the coding strand, the complement: SNRNP200 is on the minus strand). VCF-style: chr2-96303307-C-T. GRCh37 (hg19) VCF-style: chr2-96969045-C-T.
Other names: c.233G>A (NM_014014.4); short protein forms R78Q.
Identifiers: ClinVar variation 1926212 (VCV001926212.7), dbSNP rs187670771, ClinGen allele CA1779225.